The following is an entry in ClinVar:

ClinVar aggregate classification (germline): Likely benign. Review status: criteria provided, single submitter (1 of 4 stars). 2 submissions from 2 submitters: Likely benign (1). 1 of the submissions does not count toward it. Last evaluated 2025-09-05.

Conditions:
Craniolenticulosutural dysplasia (CLSD). Also called: BOYADJIEV-JABS SYNDROME. Identifiers: Orphanet 50814, MedGen C1843042, MONDO:0011911, OMIM 607812.
SEC23A-related disorder. Also called: SEC23A-related condition.

Allele frequency attached by ClinVar (database versions not stated): gnomAD 0.00001; ExAC 0.00002; gnomAD exomes 0.00002 and 0.00003; TOPMed 0.00002; 1000 Genomes Project 30x 0.00016; 1000 Genomes Project 0.00020.
gnomAD v4.1: 45 of 1,614,166 alleles (0.0028%); highest among the groups gnomAD compares: Middle Eastern, 0.016%; no homozygotes.

Submissions (2):

Labcorp Genetics (formerly Invitae), Labcorp
Classification: Likely benign for Craniolenticulosutural dysplasia. Last evaluated: 2025-09-05. Review status: criteria provided, single submitter. Criteria: Invitae Variant Classification Sherloc (09022015). Collection method: clinical testing. Allele origin: germline.

PreventionGenetics, part of Exact Sciences
Classification: Likely benign for SEC23A-related condition. Last evaluated: 2021-03-19. Review status: no assertion criteria provided. Collection method: clinical testing. Allele origin: germline. Not counted in ClinVar's aggregate classification.
Comment: This variant is classified as likely benign based on ACMG/AMP sequence variant interpretation guidelines (Richards et al. 2015 PMID: 25741868, with internal and published modifications).

NM_006364.4(SEC23A):c.96A>C (p.Thr32=)

Gene: SEC23A (SEC23 homolog A, COPII component; minus strand). Cytogenetic location: 14q21.1.
Variant type: single nucleotide variant.
Coding change: c.96A>C on transcript NM_006364.4 (MANE Select); coding-DNA position 96, A replaced by C.
Protein change: p.Thr32=; no amino-acid change (threonine 32 retained).
Molecular consequence: synonymous variant.
Genome position (GRCh38, 1-based): chr14:39,096,023, T>G on the plus strand (A>C on the coding strand, the complement: SEC23A is on the minus strand). VCF-style: chr14-39096023-T-G. GRCh37 (hg19) VCF-style: chr14-39565227-T-G.
Identifiers: ClinVar variation 751345 (VCV000751345.6), dbSNP rs201109660, ClinGen allele CA7162255.